The following is an entry in ClinVar:

ClinVar aggregate classification (germline): Uncertain significance. Review status: criteria provided, multiple submitters, no conflicts (2 of 4 stars). 2 submissions from 2 submitters: Uncertain significance (2). Last evaluated 2023-04-13.

Conditions:
Cardiovascular phenotype. Identifiers: MedGen CN230736.
Long QT syndrome (LQTS). Identifiers: MedGen C0023976, MeSH D008133, MONDO:0002442. Disease mechanism: loss of function. Inheritance: Various modes of inheritance.

Allele frequency attached by ClinVar (database versions not stated): TOPMed below 0.00001.

Submissions (2):

Labcorp Genetics (formerly Invitae), Labcorp
Classification: Uncertain significance for Long QT syndrome. Last evaluated: 2023-04-13. Review status: criteria provided, single submitter. Criteria: Invitae Variant Classification Sherloc (09022015). Collection method: clinical testing. Allele origin: germline.
Comment: In summary, the available evidence is currently insufficient to determine the role of this variant in disease. Therefore, it has been classified as a Variant of Uncertain Significance. An algorithm developed to predict the effect of missense changes on protein structure and function (PolyPhen-2) suggests that this variant is likely to be disruptive. ClinVar contains an entry for this variant (Variation ID: 1752701). This variant has not been reported in the literature in individuals affected with KCNH2-related conditions. This variant is not present in population databases (gnomAD no frequency). This sequence change replaces leucine, which is neutral and non-polar, with glutamine, which is neutral and polar, at codon 210 of the KCNH2 protein (p.Leu210Gln).

Ambry Genetics
Classification: Uncertain significance for Cardiovascular phenotype. Last evaluated: 2020-05-19. Review status: criteria provided, single submitter. Criteria: Ambry Variant Classification Scheme 2023. Collection method: clinical testing. Allele origin: germline.
Comment: The p.L210Q variant (also known as c.629T>A), located in coding exon 4 of the KCNH2 gene, results from a T to A substitution at nucleotide position 629. The leucine at codon 210 is replaced by glutamine, an amino acid with dissimilar properties. This amino acid position is not well conserved in available vertebrate species. In addition, the in silico prediction for this alteration is inconclusive. Since supporting evidence is limited at this time, the clinical significance of this alteration remains unclear.

NM_000238.4(KCNH2):c.629T>A (p.Leu210Gln)

Gene: KCNH2 (potassium voltage-gated channel subfamily H member 2; minus strand). Cytogenetic location: 7q36.1.
Variant type: single nucleotide variant.
Coding change: c.629T>A on transcript NM_000238.4 (MANE Select); coding-DNA position 629, T replaced by A.
Protein change: p.Leu210Gln; replaces leucine 210 with glutamine.
Molecular consequence: missense variant.
Genome position (GRCh38, 1-based): chr7:150,958,346, A>T on the plus strand (T>A on the coding strand, the complement: KCNH2 is on the minus strand). VCF-style: chr7-150958346-A-T. GRCh37 (hg19) VCF-style: chr7-150655434-A-T.
Other names: c.452T>A, p.Leu151Gln (NM_001406755.1); c.341T>A, p.Leu114Gln (NM_001406756.1, NM_001406753.1); c.329T>A, p.Leu110Gln (NM_001406757.1); c.629T>A, p.Leu210Gln (NM_172056.3); short protein forms L151Q, L210Q, L110Q, L114Q.
Identifiers: ClinVar variation 1752701 (VCV001752701.5), dbSNP rs1243787663, ClinGen allele CA369863046.